The following is an entry in ClinVar:

NC_000012.12:g.(?_753556)_(908802_?)dup

Gene: WNK1 (WNK lysine deficient protein kinase 1; plus strand). Cytogenetic location: 12p13.33.
Variant type: Duplication.
Identifiers: ClinVar variation 830827 (VCV000830827.1).

ClinVar aggregate classification (germline): Uncertain significance (1 of 4 stars; one submission).

Conditions:
Pseudohypoaldosteronism type 2C (PHA2C). Also called: Pseudohypoaldosteronism Type IIC. Identifiers: Orphanet 757, Orphanet 88940, MedGen C1840391, MONDO:0013778, OMIM 614492.
Neuropathy, hereditary sensory and autonomic, type 2A (HSAN2A). Also called: MORVAN DISEASE; NEUROPATHY, CONGENITAL SENSORY; NEUROPATHY, HEREDITARY SENSORY RADICULAR, AUTOSOMAL RECESSIVE; NEUROPATHY, HEREDITARY SENSORY, TYPE IIA; NEUROPATHY, PROGRESSIVE SENSORY, OF CHILDREN; WNK1-Related HSAN2 (HSAN2A). Identifiers: Orphanet 970, MedGen C2752089, MONDO:0024309, OMIM 201300.

Submission:

Labcorp Genetics (formerly Invitae), Labcorp
Classification: Uncertain significance for Hereditary sensory and autonomic neuropathy type IIA; Pseudohypoaldosteronism type 2C. Last evaluated: 2019-11-01. Review status: criteria provided, single submitter. Criteria: Invitae Variant Classification Sherloc (09022015). Collection method: clinical testing. Allele origin: germline.
Comment: This variant results in a copy number gain of the genomic region encompassing the full coding sequence of the WNK1 gene. The boundaries of this event are unknown as they extend beyond the assayed region for this gene and therefore may encompass additional genes. As the precise location of this event is unknown, it may be in tandem or it may be located elsewhere in the genome. This variant has not been reported in the literature in individuals with WNK1-related conditions. Experimental studies and prediction algorithms are not available or were not evaluated, and the functional significance of this variant is currently unknown. In summary, the available evidence is currently insufficient to determine the role of this variant in disease. Therefore, it has been classified as a Variant of Uncertain Significance.